The following is an entry in ClinVar:

NM_001171.6(ABCC6):c.3299G>A (p.Gly1100Glu)

Gene: ABCC6 (ATP binding cassette subfamily C member 6; minus strand). Cytogenetic location: 16p13.11.
Variant type: single nucleotide variant.
Coding change: c.3299G>A on transcript NM_001171.6 (MANE Select); coding-DNA position 3299, G replaced by A.
Protein change: p.Gly1100Glu; replaces glycine 1100 with glutamic acid.
Molecular consequence: missense variant. On other transcripts: non-coding transcript variant (1).
Genome position (GRCh38, 1-based): chr16:16,165,630, C>T on the plus strand (G>A on the coding strand, the complement: ABCC6 is on the minus strand). VCF-style: chr16-16165630-C-T. GRCh37 (hg19) VCF-style: chr16-16259487-C-T.
Other names: c.2957G>A, p.Gly986Glu (NM_001351800.1); short protein forms G986E, G1100E.
Identifiers: ClinVar variation 2137790 (VCV002137790.1), dbSNP rs764594366, ClinGen allele CA7925639.

ClinVar aggregate classification (germline): Uncertain significance (1 of 4 stars; one submission).

Allele frequency attached by ClinVar (database versions not stated): TOPMed below 0.00001; gnomAD 0.00001; gnomAD exomes 0.00001; ExAC 0.00002.
gnomAD v4.1: 4 of 1,613,018 alleles (0.00025%); highest among the groups gnomAD compares: Non-Finnish European, 0.00034%; no homozygotes.

Submission:

Labcorp Genetics (formerly Invitae), Labcorp
Classification: Uncertain significance. Last evaluated: 2022-06-23. Review status: criteria provided, single submitter. Criteria: Invitae Variant Classification Sherloc (09022015). Collection method: clinical testing. Allele origin: germline.
Comment: This sequence change replaces glycine, which is neutral and non-polar, with glutamic acid, which is acidic and polar, at codon 1100 of the ABCC6 protein (p.Gly1100Glu). This variant is present in population databases (rs764594366, gnomAD 0.002%). This missense change has been observed in individual(s) with pseudoxanthoma elasticum (PMID: 21179111). Advanced modeling of protein sequence and biophysical properties (such as structural, functional, and spatial information, amino acid conservation, physicochemical variation, residue mobility, and thermodynamic stability) performed at Invitae indicates that this missense variant is not expected to disrupt ABCC6 protein function. In summary, the available evidence is currently insufficient to determine the role of this variant in disease. Therefore, it has been classified as a Variant of Uncertain Significance.

Literature cited by the submitters: PubMed 21179111.